The following is an entry in ClinVar:

ClinVar aggregate classification (germline): Benign (0 of 4 stars; one submission).

Conditions:
GTF2IRD1-related disorder. Also called: GTF2IRD1-related condition.

Allele frequency attached by ClinVar (database versions not stated): gnomAD exomes 0.19745; ExAC 0.20257; 1000 Genomes Project 0.23682; 1000 Genomes Project 30x 0.23860; gnomAD 0.25285; TOPMed 0.26774; ESP Exome Variant Server 0.26904.
gnomAD v4.1: 326,574 of 1,610,598 alleles (20%); highest among the groups gnomAD compares: African/African-American, 44%; 36,391 homozygotes.

Submission:

PreventionGenetics, part of Exact Sciences
Classification: Benign for GTF2IRD1-related condition. Last evaluated: 2019-10-17. Review status: no assertion criteria provided. Collection method: clinical testing. Allele origin: germline.
Comment: This variant is classified as benign based on ACMG/AMP sequence variant interpretation guidelines (Richards et al. 2015 PMID: 25741868, with internal and published modifications).

NM_005685.4(GTF2IRD1):c.513A>G (p.Glu171=)

Gene: GTF2IRD1 (GTF2I repeat domain containing 1; plus strand). Cytogenetic location: 7q11.23.
Variant type: single nucleotide variant.
Coding change: c.513A>G on transcript NM_005685.4 (MANE Select); coding-DNA position 513, A replaced by G.
Protein change: p.Glu171=; no amino-acid change (glutamic acid 171 retained).
Molecular consequence: synonymous variant.
Genome position (GRCh38, 1-based): chr7:74,518,230, A>G. VCF-style: chr7-74518230-A-G. GRCh37 (hg19) VCF-style: chr7-73932560-A-G.
Other names: c.609A>G, p.Glu203= (NM_001199207.2); c.513A>G, p.Glu171= (NM_001410888.1, NM_016328.3).
Identifiers: ClinVar variation 3058945 (VCV003058945.2), dbSNP rs17851629, ClinGen allele CA4296525.